The following is an entry in ClinVar:

NC_000005.10:g.(?_90558896)_(90745805_?)dup

Gene: ADGRV1 (adhesion G protein-coupled receptor V1; plus strand). Cytogenetic location: 5q14.3.
Variant type: Duplication.
Identifiers: ClinVar variation 832961 (VCV000832961.6).

ClinVar aggregate classification (germline): Uncertain significance (1 of 4 stars; one submission).

Submission:

Labcorp Genetics (formerly Invitae), Labcorp
Classification: Uncertain significance. Last evaluated: 2022-06-05. Review status: criteria provided, single submitter. Criteria: Invitae Variant Classification Sherloc (09022015). Collection method: clinical testing. Allele origin: germline.
Comment: This variant results in a copy number gain of the genomic region encompassing exon(s) 1-52 of the ADGRV1 gene. This region includes the initiator codon of the gene. This copy number gain extends beyond the assayed region for this gene and therefore may encompass additional genes. As the precise location of this event is unknown, it may be in tandem or it may be located elsewhere in the genome. In summary, the available evidence is currently insufficient to determine the role of this variant in disease. Therefore, it has been classified as a Variant of Uncertain Significance. Experimental studies and prediction algorithms are not available or were not evaluated, and the functional significance of this variant is currently unknown. This variant has not been reported in the literature in individuals affected with ADGRV1-related conditions.